The following is an entry in ClinVar:

NM_000587.4(C7):c.690TTC[1] (p.Ser232del)

Gene: C7 (complement C7; plus strand). Cytogenetic location: 5p13.1.
Variant type: Microsatellite.
Coding change: c.690TTC[1] on transcript NM_000587.4 (MANE Select); one copy of the 3-base unit TTC starting at c.690; the reference has two copies in a row; one copy, 3 bases deleted.
Protein change: p.Ser232del; deletes serine 232.
Molecular consequence: inframe deletion.
Genome position (GRCh38, 1-based): chr5:40,945,323-40,945,325, TTC deleted; deleting any 3 consecutive bases within chr5:40,945,318-40,945,325 gives the same sequence; the position shown is the placement nearest the transcript's 3' end. VCF-style (leftmost placement, unchanged base first): chr5-40945317-ATCT-A. GRCh37 (hg19) VCF-style: chr5-40945419-ATCT-A.
Other names: short protein forms S232del.
Identifiers: ClinVar variation 1933266 (VCV001933266.5), dbSNP rs777361512, ClinGen allele CA3249723.
Genomic context (GRCh38, chr5:40,945,317, plus strand): 5'-ACATACGTCGACAGAACACACATCATCTAGTCGGAAGCGCTCCTTTTTTAGATCTTCATC[ATCT>A]TCTTCACGCAGTTATACTTCACATACCAATGAAATCCATAAAGGAAAGGTTAGTATAAAA-3'

ClinVar aggregate classification (germline): Uncertain significance (1 of 4 stars; one submission).

Submission:

Labcorp Genetics (formerly Invitae), Labcorp
Classification: Uncertain significance. Last evaluated: 2025-07-14. Review status: criteria provided, single submitter. Criteria: Invitae Variant Classification Sherloc (09022015). Collection method: clinical testing. Allele origin: germline.
Comment: This variant, c.693_695del, results in the deletion of 1 amino acid(s) of the C7 protein (p.Ser232del), but otherwise preserves the integrity of the reading frame. This variant is present in population databases (rs777361512, gnomAD 0.008%). This variant has not been reported in the literature in individuals affected with C7-related conditions. Experimental studies and prediction algorithms are not available or were not evaluated, and the functional significance of this variant is currently unknown. In summary, the available evidence is currently insufficient to determine the role of this variant in disease. Therefore, it has been classified as a Variant of Uncertain Significance.